The following is an entry in ClinVar:

NM_001378454.1(ALMS1):c.12114+14G>T

Genes: ALMS1 (ALMS1 centrosome and basal body associated protein; plus strand), LOC126806252 (BRD4-independent group 4 enhancer GRCh37_chr2:73828496-73829695; plus strand). Cytogenetic location: 2p13.1.
Variant type: single nucleotide variant.
Coding change: c.12114+14G>T on transcript NM_001378454.1 (MANE Select); 14 bases into the intron after coding-DNA position 12114, G replaced by T.
Molecular consequence: intron variant.
Genome position (GRCh38, 1-based): chr2:73,601,450, G>T. VCF-style: chr2-73601450-G-T. GRCh37 (hg19) VCF-style: chr2-73828577-G-T.
Other names: c.12117+14G>T (NM_015120.4); c.12114+14G>T (NM_015120.4).
Identifiers: ClinVar variation 391406 (VCV000391406.7), dbSNP rs1057524070, ClinGen allele CA16604302.
Genomic context (GRCh38, chr2:73,601,450, plus strand): 5'-AGGCTGGCAGAGACCTACTGAGGCCATTTGTGAGAGCAACCCTTCAGGTGCAGTGACGTT[G>T]ACTTAACTTTAATGCTACGTGTAGGGAGAAGAAGGGCAAGGCGCAGAGAAGCTGGCTCTG-3'

ClinVar aggregate classification (germline): Likely benign. Review status: criteria provided, multiple submitters, no conflicts (2 of 4 stars). 3 submissions from 3 submitters: Likely benign (2). 1 of the submissions does not count toward it. Last evaluated 2023-08-24.

Conditions:
Alstrom syndrome (ALMS). Identifiers: Orphanet 64, MedGen C0268425, MONDO:0008763, OMIM 203800.

gnomAD v4.1: 1 of 1,613,546 alleles (0.000062%); highest among the groups gnomAD compares: Non-Finnish European, 0.000085%; no homozygotes.

Submissions (3):

Labcorp Genetics (formerly Invitae), Labcorp
Classification: Likely benign for Alstrom syndrome. Last evaluated: 2023-08-24. Review status: criteria provided, single submitter. Criteria: Invitae Variant Classification Sherloc (09022015). Collection method: clinical testing. Allele origin: germline.

GeneDx
Classification: Likely benign. Last evaluated: 2016-12-06. Review status: criteria provided, single submitter. Criteria: GeneDx Variant Classification (06012015). Collection method: clinical testing. Allele origin: germline. Affected: yes.
Comment: This variant is considered likely benign or benign based on one or more of the following criteria: it is a conservative change, it occurs at a poorly conserved position in the protein, it is predicted to be benign by multiple in silico algorithms, and/or has population frequency not consistent with disease.

Counsyl
Classification: Likely benign for Alstrom syndrome. Last evaluated: 2017-11-30. Review status: no assertion criteria provided. Collection method: clinical testing. Allele origin: unknown. Not counted in ClinVar's aggregate classification.